The following is an entry in ClinVar:

NM_001081.4(CUBN):c.4969+2T>G

Gene: CUBN (cubilin; minus strand). Cytogenetic location: 10p13.
Variant type: single nucleotide variant.
Coding change: c.4969+2T>G on transcript NM_001081.4 (MANE Select); the canonical splice donor site of the intron after coding-DNA position 4969, T replaced by G.
Molecular consequence: splice donor variant.
Genome position (GRCh38, 1-based): chr10:16,952,274, A>C on the plus strand (T>G on the coding strand, the complement: CUBN is on the minus strand). VCF-style: chr10-16952274-A-C. GRCh37 (hg19) VCF-style: chr10-16994273-A-C.
Identifiers: ClinVar variation 2109136 (VCV002109136.4), dbSNP rs967367446, ClinGen allele CA203594668.

ClinVar aggregate classification (germline): Likely pathogenic (1 of 4 stars; one submission).

Conditions:
Imerslund-Grasbeck syndrome. Also called: ENTEROCYTE COBALAMIN MALABSORPTION; ENTEROCYTE INTRINSIC FACTOR RECEPTOR, DEFECT OF; Megaloblastic anemia due to inborn errors of metabolism; PERNICIOUS ANEMIA, JUVENILE, DUE TO SELECTIVE INTESTINAL MALABSORPTION OF VITAMIN B12, WITH PROTEINURIA; Imerslund-Gräsbeck syndrome. Identifiers: Orphanet 35858, MedGen C4551825, MONDO:0009853.

gnomAD v4.1: 1 of 1,605,850 alleles (0.000062%); highest among the groups gnomAD compares: Non-Finnish European, 0.000085%; no homozygotes.

Submission:

Labcorp Genetics (formerly Invitae), Labcorp
Classification: Likely pathogenic for Imerslund-Grasbeck syndrome. Last evaluated: 2022-09-06. Review status: criteria provided, single submitter. Criteria: Invitae Variant Classification Sherloc (09022015). Collection method: clinical testing. Allele origin: germline.
Comment: In summary, the currently available evidence indicates that the variant is pathogenic, but additional data are needed to prove that conclusively. Therefore, this variant has been classified as Likely Pathogenic. Algorithms developed to predict the effect of sequence changes on RNA splicing suggest that this variant may disrupt the consensus splice site. This variant has not been reported in the literature in individuals affected with CUBN-related conditions. This variant is not present in population databases (gnomAD no frequency). This sequence change affects a donor splice site in intron 33 of the CUBN gene. It is expected to disrupt RNA splicing. Variants that disrupt the donor or acceptor splice site typically lead to a loss of protein function (PMID: 16199547), and loss-of-function variants in CUBN are known to be pathogenic (PMID: 15024727, 22929189).

Literature cited by the submitters: PubMed 16199547; PubMed 15024727; PubMed 22929189.